The following is an entry in ClinVar:

NM_205768.3(ZBTB18):c.806C>T (p.Ser269Phe)

Gene: ZBTB18 (zinc finger and BTB domain containing 18; plus strand). Cytogenetic location: 1q44.
Variant type: single nucleotide variant.
Coding change: c.806C>T on transcript NM_205768.3 (MANE Select); coding-DNA position 806, C replaced by T.
Protein change: p.Ser269Phe; replaces serine 269 with phenylalanine.
Molecular consequence: missense variant.
Genome position (GRCh38, 1-based): chr1:244,054,580, C>T. VCF-style: chr1-244054580-C-T. GRCh37 (hg19) VCF-style: chr1-244217882-C-T.
Other names: c.779C>T, p.Ser260Phe (NM_001278196.2, NM_006352.5); short protein forms S260F, S269F.
Identifiers: ClinVar variation 1704714 (VCV001704714.3), dbSNP rs2527558034, ClinGen allele CA345673723.
Genomic context (GRCh38, chr1:244,054,580, plus strand): 5'-TGGACCTGTCTGTCAAGTCCAGCCTTTCAGGAGTTGAAAATCTGAACAGCTCTTATTTCT[C>T]TTCACAGGACGTGCTGAGAAGCAACCTGGTGCAGGTGAAGGTGGAGAAAGAGGCTTCCTG-3'
Protein context (NP_991331.1, residues 259-279): GVENLNSSYF[Ser269Phe]SQDVLRSNLV

ClinVar aggregate classification (germline): Uncertain significance (1 of 4 stars; one submission).

Submission:

GeneDx
Classification: Uncertain significance. Last evaluated: 2025-06-18. Review status: criteria provided, single submitter. Criteria: GeneDx Variant Classification Process June 2021. Collection method: clinical testing. Allele origin: germline. Affected: yes.
Comment: Not observed at significant frequency in large population cohorts (gnomAD); In silico analysis suggests that this missense variant does not alter protein structure/function; Has not been previously published as pathogenic or benign to our knowledge